The following is an entry in ClinVar:

ClinVar aggregate classification (germline): Pathogenic (0 of 4 stars; one submission).
ClinVar aggregate classification (oncogenicity): Uncertain significance (1 of 4 stars; one submission).

Conditions:
Malignant lymphoma, large B-cell, diffuse. Also called: Diffuse large B cell lymphoma. Identifiers: Orphanet 544, MedGen C0079744, MeSH D016403, MONDO:0018905.
Neoplasm. Also called: Neoplasms; Neoplasm (disease); tumor. Identifiers: MedGen C0027651, MeSH D009369, MONDO:0005070, HP:0002664.

Submissions (2):

Center for Genomic Medicine, Rigshospitalet, Copenhagen University Hospital
Classification: Uncertain significance for Neoplasm. Last evaluated: 2025-03-04. Review status: criteria provided, single submitter. Criteria: ClinGen/CGC/VICC Guidelines for Oncogenicity, 2022. Collection method: clinical testing. Allele origin: somatic. Affected: yes.

Department Of Pathology & Laboratory Medicine, University Of Pennsylvania
Classification: Pathogenic for Malignant lymphoma, large B-cell, diffuse. Last evaluated: 2023-12-04. Review status: no assertion criteria provided. Collection method: clinical testing. Allele origin: somatic. Affected: yes. Observed: 1 variant allele.
Comment: Pre-therapy specimen. This is a truncating mutation predicted to remove last exon; multiple studies show truncating mutations in SOCS1 are inactivating and pathogenic, and have been identified in DLBCL.

Literature cited by the submitters: PubMed 23296022 (cited by Department Of Pathology & Laboratory Medicine, University Of Pennsylvania); PubMed 29625055 (cited by Department Of Pathology & Laboratory Medicine, University Of Pennsylvania); PubMed 19734449 (cited by Department Of Pathology & Laboratory Medicine, University Of Pennsylvania); PubMed 28302137 (cited by Department Of Pathology & Laboratory Medicine, University Of Pennsylvania); PubMed 26336985 (cited by Department Of Pathology & Laboratory Medicine, University Of Pennsylvania).

NM_003745.2(SOCS1):c.462C>A (p.Tyr154Ter)

Gene: SOCS1 (suppressor of cytokine signaling 1; minus strand). Cytogenetic location: 16p13.13.
Variant type: single nucleotide variant.
Coding change: c.462C>A on transcript NM_003745.2 (MANE Select); coding-DNA position 462, C replaced by A.
Protein change: p.Tyr154Ter; replaces tyrosine 154 with a stop codon.
Molecular consequence: nonsense.
Genome position (GRCh38, 1-based): chr16:11,255,017, G>T on the plus strand (C>A on the coding strand, the complement: SOCS1 is on the minus strand). VCF-style: chr16-11255017-G-T. GRCh37 (hg19) VCF-style: chr16-11348874-G-T.
Other names: short protein forms Y154*.
Identifiers: ClinVar variation 2671890 (VCV002671890.4), dbSNP rs906125295, ClinGen allele CA394739989.